The following is an entry in ClinVar:

NM_001113378.2(FANCI):c.1863T>A (p.Asn621Lys)

Gene: FANCI (FA complementation group I; plus strand). Cytogenetic location: 15q26.1.
Variant type: single nucleotide variant.
Coding change: c.1863T>A on transcript NM_001113378.2 (MANE Select); coding-DNA position 1863, T replaced by A.
Protein change: p.Asn621Lys; replaces asparagine 621 with lysine.
Molecular consequence: missense variant.
Genome position (GRCh38, 1-based): chr15:89,290,254, T>A. VCF-style: chr15-89290254-T-A. GRCh37 (hg19) VCF-style: chr15-89833485-T-A.
Other names: c.1584T>A, p.Asn528Lys (NM_001376910.1); c.1863T>A, p.Asn621Lys (NM_001376911.1, NM_018193.3); short protein forms N621K, N528K.
Identifiers: ClinVar variation 2071959 (VCV002071959.4), dbSNP rs370338925, ClinGen allele CA7723184.

ClinVar aggregate classification (germline): Uncertain significance (1 of 4 stars; one submission).

Conditions:
Fanconi anemia (FA). Also called: Fanconi's anemia. Identifiers: Orphanet 84, MedGen C0015625, MeSH D005199, MONDO:0019391.

Allele frequency attached by ClinVar (database versions not stated): ExAC 0.00001; ESP Exome Variant Server 0.00008.
gnomAD v4.1: 1 of 1,613,976 alleles (0.000062%); no homozygotes.

Submission:

Labcorp Genetics (formerly Invitae), Labcorp
Classification: Uncertain significance for Fanconi anemia. Last evaluated: 2024-11-03. Review status: criteria provided, single submitter. Criteria: Invitae Variant Classification Sherloc (09022015). Collection method: clinical testing. Allele origin: germline.
Comment: This sequence change replaces asparagine, which is neutral and polar, with lysine, which is basic and polar, at codon 621 of the FANCI protein (p.Asn621Lys). This variant is present in population databases (rs370338925, gnomAD 0.0009%). This variant has not been reported in the literature in individuals affected with FANCI-related conditions. ClinVar contains an entry for this variant (Variation ID: 2071959). Invitae Evidence Modeling of protein sequence and biophysical properties (such as structural, functional, and spatial information, amino acid conservation, physicochemical variation, residue mobility, and thermodynamic stability) indicates that this missense variant is not expected to disrupt FANCI protein function with a negative predictive value of 80%. In summary, the available evidence is currently insufficient to determine the role of this variant in disease. Therefore, it has been classified as a Variant of Uncertain Significance.